The following is an entry in ClinVar:

NM_001297.5(CNGB1):c.396C>T (p.Gly132=)

Gene: CNGB1 (cyclic nucleotide gated channel subunit beta 1; minus strand). Cytogenetic location: 16q21.
Variant type: single nucleotide variant.
Coding change: c.396C>T on transcript NM_001297.5 (MANE Select); coding-DNA position 396, C replaced by T.
Protein change: p.Gly132=; no amino-acid change (glycine 132 retained).
Molecular consequence: synonymous variant.
Genome position (GRCh38, 1-based): chr16:57,962,858, G>A on the plus strand (C>T on the coding strand, the complement: CNGB1 is on the minus strand). VCF-style: chr16-57962858-G-A. GRCh37 (hg19) VCF-style: chr16-57996762-G-A.
Other names: c.396C>T, p.Gly132= (NM_001135639.2, NM_001286130.2).
Identifiers: ClinVar variation 1047811 (VCV001047811.7), dbSNP rs377556935, ClinGen allele CA8083855.

ClinVar aggregate classification (germline): Uncertain significance (1 of 4 stars; one submission).

Allele frequency attached by ClinVar (database versions not stated): gnomAD exomes below 0.00001; ExAC 0.00001; TOPMed 0.00002; ESP Exome Variant Server 0.00008; gnomAD 0.00005.
gnomAD v4.1: 10 of 1,612,572 alleles (0.00062%); highest among the groups gnomAD compares: African/African-American, 0.0053%; no homozygotes.

Submission:

Labcorp Genetics (formerly Invitae), Labcorp
Classification: Uncertain significance. Last evaluated: 2022-03-10. Review status: criteria provided, single submitter. Criteria: Invitae Variant Classification Sherloc (09022015). Collection method: clinical testing. Allele origin: germline.
Comment: This sequence change affects codon 132 of the CNGB1 mRNA. It is a 'silent' change, meaning that it does not change the encoded amino acid sequence of the CNGB1 protein. The frequency data for this variant in the population databases is considered unreliable, as metrics indicate poor data quality at this position in the gnomAD database. This variant has not been reported in the literature in individuals affected with CNGB1-related conditions. ClinVar contains an entry for this variant (Variation ID: 1047811). Algorithms developed to predict the effect of sequence changes on RNA splicing suggest that this variant may disrupt the consensus splice site. In summary, the available evidence is currently insufficient to determine the role of this variant in disease. Therefore, it has been classified as a Variant of Uncertain Significance.